The following is an entry in ClinVar:

ClinVar aggregate classification (germline): Uncertain significance (1 of 4 stars; one submission).

Conditions:
Joubert syndrome. Also called: CEREBELLOPARENCHYMAL DISORDER IV; JOUBERT-BOLTSHAUSER SYNDROME; Familial aplasia of the vermis. Identifiers: Orphanet 475, MedGen C5979921, MONDO:0018772.

Allele frequency attached by ClinVar (database versions not stated): ExAC 0.00002; gnomAD exomes below 0.00001.
gnomAD v4.1: 1 of 1,599,690 alleles (0.000063%); highest among the groups gnomAD compares: South Asian, 0.0011%; no homozygotes.

Submission:

Labcorp Genetics (formerly Invitae), Labcorp
Classification: Uncertain significance for Joubert syndrome. Last evaluated: 2024-10-08. Review status: criteria provided, single submitter. Criteria: Invitae Variant Classification Sherloc (09022015). Collection method: clinical testing. Allele origin: germline.
Comment: This sequence change replaces lysine, which is basic and polar, with glutamic acid, which is acidic and polar, at codon 1133 of the AHI1 protein (p.Lys1133Glu). This variant is not present in population databases (gnomAD no frequency). This variant has not been reported in the literature in individuals affected with AHI1-related conditions. ClinVar contains an entry for this variant (Variation ID: 1507750). Invitae Evidence Modeling of protein sequence and biophysical properties (such as structural, functional, and spatial information, amino acid conservation, physicochemical variation, residue mobility, and thermodynamic stability) indicates that this missense variant is not expected to disrupt AHI1 protein function with a negative predictive value of 95%. In summary, the available evidence is currently insufficient to determine the role of this variant in disease. Therefore, it has been classified as a Variant of Uncertain Significance.

NM_001134831.2(AHI1):c.3397A>G (p.Lys1133Glu)

Gene: AHI1 (Abelson helper integration site 1; minus strand). Cytogenetic location: 6q23.3.
Variant type: single nucleotide variant.
Coding change: c.3397A>G on transcript NM_001134831.2 (MANE Select); coding-DNA position 3397, A replaced by G.
Protein change: p.Lys1133Glu; replaces lysine 1133 with glutamic acid.
Molecular consequence: missense variant.
Genome position (GRCh38, 1-based): chr6:135,318,548, T>C on the plus strand (A>G on the coding strand, the complement: AHI1 is on the minus strand). VCF-style: chr6-135318548-T-C. GRCh37 (hg19) VCF-style: chr6-135639686-T-C.
Other names: c.3397A>G, p.Lys1133Glu (NM_001134830.2, NM_001350503.2, NM_001350504.2 and 1 more transcripts); short protein forms K1133E.
Identifiers: ClinVar variation 1507750 (VCV001507750.6), dbSNP rs756931330, ClinGen allele CA4012027.